The following is an entry in ClinVar:

ClinVar aggregate classification (germline): Pathogenic (1 of 4 stars; one submission).

Submission:

GeneDx
Classification: Pathogenic. Last evaluated: 2026-04-07. Review status: criteria provided, single submitter. Criteria: GeneDx Variant Classification Process June 2021. Collection method: clinical testing. Allele origin: germline.
Comment: Reported previously as a de novo variant in a patient from a cohort of individuals with developmental disorder (PMID: 33504798); Nonsense variant predicted to result in protein truncation or nonsense mediated decay in a gene for which loss of function is a known mechanism of disease; Not observed at significant frequency in large population cohorts (gnomAD); This variant is associated with the following publications: (PMID: 33057194, 35982159, 33504798)

NM_004586.3(RPS6KA3):c.266C>G (p.Ser89Ter)

Gene: RPS6KA3 (ribosomal protein S6 kinase A3; minus strand). Cytogenetic location: Xp22.12.
Variant type: single nucleotide variant.
Coding change: c.266C>G on transcript NM_004586.3 (MANE Select); coding-DNA position 266, C replaced by G.
Protein change: p.Ser89Ter; replaces serine 89 with a stop codon.
Molecular consequence: nonsense.
Genome position (GRCh38, 1-based): chrX:20,204,081, G>C on the plus strand (C>G on the coding strand, the complement: RPS6KA3 is on the minus strand). VCF-style: chrX-20204081-G-C. GRCh37 (hg19) VCF-style: chrX-20222199-G-C.
Other names: c.182C>G, p.Ser61Ter (NM_001438340.1); short protein forms S61*, S89*.
Identifiers: ClinVar variation 5037747 (VCV005037747.1).